The following is an entry in ClinVar:

ClinVar aggregate classification (germline): Uncertain significance (1 of 4 stars; one submission).

Allele frequency attached by ClinVar (database versions not stated): gnomAD exomes below 0.00001.
gnomAD v4.1: 2 of 1,565,126 alleles (0.00013%); highest among the groups gnomAD compares: Non-Finnish European, 0.00017%; no homozygotes.

Submission:

GeneDx
Classification: Uncertain significance. Last evaluated: 2022-03-24. Review status: criteria provided, single submitter. Criteria: GeneDx Variant Classification Process June 2021. Collection method: clinical testing. Allele origin: germline. Affected: yes.
Comment: Not observed at significant frequency in large population cohorts (gnomAD); In silico analysis supports that this missense variant has a deleterious effect on protein structure/function; Has not been previously published as pathogenic or benign to our knowledge

NM_138576.4(BCL11B):c.104G>T (p.Gly35Val)

Gene: BCL11B (BCL11 transcription factor B; minus strand). Cytogenetic location: 14q32.2.
Variant type: single nucleotide variant.
Coding change: c.104G>T on transcript NM_138576.4 (MANE Select); coding-DNA position 104, G replaced by T.
Protein change: p.Gly35Val; replaces glycine 35 with valine.
Molecular consequence: missense variant.
Genome position (GRCh38, 1-based): chr14:99,257,794, C>A on the plus strand (G>T on the coding strand, the complement: BCL11B is on the minus strand). VCF-style: chr14-99257794-C-A. GRCh37 (hg19) VCF-style: chr14-99724131-C-A.
Other names: c.101G>T, p.Gly34Val (NM_001282237.2, NM_001282238.2); c.104G>T, p.Gly35Val (NM_022898.3); short protein forms G34V, G35V.
Identifiers: ClinVar variation 1676928 (VCV001676928.2), dbSNP rs2139954283, ClinGen allele CA390939822.